The following is an entry in ClinVar:

ClinVar aggregate classification (germline): Likely benign (1 of 4 stars; one submission).

Allele frequency attached by ClinVar (database versions not stated): gnomAD exomes 0.00291; ExAC 0.00358; ESP Exome Variant Server 0.00410; 1000 Genomes Project 0.00459; gnomAD 0.00469; TOPMed 0.00524; 1000 Genomes Project 30x 0.00531.
gnomAD v4.1: 4,363 of 1,367,746 alleles (0.32%); highest among the groups gnomAD compares: Middle Eastern, 2.2%; 24 homozygotes.

Submissions (4):

CeGaT Center for Human Genetics Tuebingen
Classification: Likely benign. Last evaluated: 2026-09-01. Review status: criteria provided, single submitter. Criteria: CeGaT Center For Human Genetics Tuebingen Variant Classification Criteria Version 2. Collection method: clinical testing. Allele origin: germline. Affected: yes. Observed: 2 variant alleles.
Comment: PIK3CD-AS1: BS2

Dr. Peter K. Rogan Lab, Western University
No classification provided (evidence only). Condition: Clear cell carcinoma of kidney. Review status: no classification provided. Collection method: in vitro. Allele origin: not applicable. Functional consequence: retained intron. Not counted in ClinVar's aggregate classification.

Dr. Peter K. Rogan Lab, Western University
No classification provided (evidence only). Condition: Clear cell carcinoma of kidney. Review status: no classification provided. Collection method: in vitro. Allele origin: not applicable. Functional consequence: retained intron. Not counted in ClinVar's aggregate classification.

Dr. Peter K. Rogan Lab, Western University
No classification provided (evidence only). Condition: Malignant tumor of esophagus. Review status: no classification provided. Collection method: in vitro. Allele origin: not applicable. Functional consequence: retained intron. Not counted in ClinVar's aggregate classification.

NR_027045.1(PIK3CD-AS1):n.280C>T

Genes: PIK3CD (phosphatidylinositol-4,5-bisphosphate 3-kinase catalytic subunit delta; plus strand), PIK3CD-AS1 (PIK3CD antisense RNA 1; minus strand). Cytogenetic location: 1p36.22.
Variant type: single nucleotide variant.
Molecular consequence: intron variant (on NM_005026.5). On other transcripts: non-coding transcript variant (1).
Genome position: GRCh38 VCF-style: chr1-9654307-G-A. GRCh37 (hg19) VCF-style: chr1-9714365-G-A.
Other names: NC_000001.10:g.9714365G>A; c.-138+2505G>A (NM_005026.5).
Identifiers: ClinVar variation 2638189 (VCV002638189.25), dbSNP rs111697224, ClinGen allele CA576687.